The following is an entry in ClinVar:

ClinVar aggregate classification (germline): Conflicting classifications of pathogenicity. Review status: criteria provided, conflicting classifications (1 of 4 stars). 6 submissions from 6 submitters: Uncertain significance (4); Likely benign (2). Last evaluated 2026-07-07.

Conditions:
Hereditary cancer-predisposing syndrome. Also called: Hereditary Cancer Syndrome; Hereditary neoplastic syndrome; Neoplastic Syndromes, Hereditary; Tumor predisposition. Identifiers: Orphanet 140162, MedGen C0027672, MeSH D009386, MONDO:0015356.
Rhabdoid tumor predisposition syndrome 2 (RTPS2). Identifiers: Orphanet 231108, Orphanet 69077, MedGen C2750074, MONDO:0013224, OMIM 613325.
Intellectual disability, autosomal dominant 16 (CSS4). Also called: COFFIN-SIRIS SYNDROME 4. Identifiers: Orphanet 1465, MedGen C3553249, MONDO:0013821, OMIM 614609.

Allele frequency attached by ClinVar (database versions not stated): gnomAD exomes 0.00001 and 0.00002; TOPMed 0.00001; ExAC 0.00004; gnomAD 0.00001.
gnomAD v4.1: 21 of 1,613,658 alleles (0.0013%); highest among the groups gnomAD compares: South Asian, 0.0055%; no homozygotes.

Submissions (6):

Myriad Genetics, Inc.
Classification: Likely benign for Rhabdoid tumor predisposition syndrome 2. Last evaluated: 2026-07-07. Review status: criteria provided, single submitter. Criteria: Myriad Autosomal Dominant, Autosomal Recessive and X-Linked Classification Criteria (2023). Collection method: clinical testing. Allele origin: unknown.
Comment: This variant is considered likely benign. This variant has been observed at a population frequency that is significantly greater than expected given the associated disease prevalence and penetrance.

Labcorp Genetics (formerly Invitae), Labcorp
Classification: Uncertain significance for Rhabdoid tumor predisposition syndrome 2. Last evaluated: 2025-07-25. Review status: criteria provided, single submitter. Criteria: Invitae Variant Classification Sherloc (09022015). Collection method: clinical testing. Allele origin: germline.
Comment: This sequence change replaces lysine, which is basic and polar, with methionine, which is neutral and non-polar, at codon 689 of the SMARCA4 protein (p.Lys689Met). This variant is present in population databases (rs767328169, gnomAD 0.006%). This variant has not been reported in the literature in individuals affected with SMARCA4-related conditions. ClinVar contains an entry for this variant (Variation ID: 470280). Invitae Evidence Modeling of protein sequence and biophysical properties (such as structural, functional, and spatial information, amino acid conservation, physicochemical variation, residue mobility, and thermodynamic stability) indicates that this missense variant is not expected to disrupt SMARCA4 protein function with a negative predictive value of 95%. In summary, the available evidence is currently insufficient to determine the role of this variant in disease. Therefore, it has been classified as a Variant of Uncertain Significance.

Ambry Genetics
Classification: Likely benign for Hereditary cancer-predisposing syndrome. Last evaluated: 2024-03-01. Review status: criteria provided, single submitter. Criteria: Ambry Variant Classification Scheme 2023. Collection method: clinical testing. Allele origin: germline.

Baylor Genetics
Classification: Uncertain significance for Rhabdoid tumor predisposition syndrome 2. Last evaluated: 2023-11-21. Review status: criteria provided, single submitter. Criteria: ACMG Guidelines, 2015. Collection method: clinical testing. Allele origin: unknown.

GeneDx
Classification: Uncertain significance. Last evaluated: 2023-07-31. Review status: criteria provided, single submitter. Criteria: GeneDx Variant Classification Process June 2021. Collection method: clinical testing. Allele origin: germline. Affected: yes.
Comment: In silico analysis supports that this missense variant does not alter protein structure/function; Has not been previously published as pathogenic or benign to our knowledge; This variant is associated with the following publications: (PMID: 32295625)

Genome-Nilou Lab
Classification: Uncertain significance for Intellectual disability, autosomal dominant 16. Last evaluated: 2021-07-15. Review status: criteria provided, single submitter. Criteria: ACMG Guidelines, 2015. Collection method: clinical testing. Allele origin: germline. Affected: no.

NM_003072.5(SMARCA4):c.2066A>T (p.Lys689Met)

Gene: SMARCA4 (SWI/SNF related BAF chromatin remodeling complex subunit ATPase 4; plus strand). Cytogenetic location: 19p13.2.
Variant type: single nucleotide variant.
Coding change: c.2066A>T on transcript NM_003072.5 (MANE Select); coding-DNA position 2066, A replaced by T.
Protein change: p.Lys689Met; replaces lysine 689 with methionine.
Molecular consequence: missense variant. On other transcripts: non-coding transcript variant (1).
Genome position (GRCh38, 1-based): chr19:11,007,966, A>T. VCF-style: chr19-11007966-A-T. GRCh37 (hg19) VCF-style: chr19-11118642-A-T.
Other names: c.2066A>T, p.Lys689Met (NM_001128844.3, NM_001128845.2, NM_001128846.2 and 5 more transcripts); short protein forms K689M.
Identifiers: ClinVar variation 470280 (VCV000470280.18), dbSNP rs767328169, ClinGen allele CA9204000.